The following is an entry in ClinVar:

ClinVar aggregate classification (germline): Pathogenic (1 of 4 stars; one submission).

Conditions:
Cardiovascular phenotype. Identifiers: MedGen CN230736.

Submission:

Ambry Genetics
Classification: Pathogenic for Cardiovascular phenotype. Last evaluated: 2023-03-07. Review status: criteria provided, single submitter. Criteria: Ambry Variant Classification Scheme 2023. Collection method: clinical testing. Allele origin: germline.
Comment: The c.3524_3527delAGGA pathogenic mutation, located in coding exon 27 of the CACNA1C gene, results from a deletion of 4 nucleotides at nucleotide positions 3524 to 3527, causing a translational frameshift with a predicted alternate stop codon (p.Q1175Rfs*49). This variant is considered to be rare based on population cohorts in the Genome Aggregation Database (gnomAD). This alteration is expected to result in loss of function by premature protein truncation or nonsense-mediated mRNA decay. Based on the supporting evidence, this alteration is pathogenic for CACNA1C-related neurodevelopmental disorder; however, the association of this alteration with CACNA1C-related long QT syndrome or Timothy syndrome is unknown.

NM_000719.7(CACNA1C):c.3524_3527del (p.Gln1175fs)

Gene: CACNA1C (calcium voltage-gated channel subunit alpha1 C; plus strand). Cytogenetic location: 12p13.33.
Variant type: Deletion.
Coding change: c.3524_3527del on transcript NM_000719.7 (MANE Select); coding-DNA positions 3524 to 3527, 4 bases deleted (AGGA; older notation c.3524_3527delAGGA).
Protein change: p.Gln1175fs; shifts the reading frame from glutamine 1175.
Molecular consequence: frameshift variant.
Genome position (GRCh38, 1-based): chr12:2,608,678-2,608,681, AGGA deleted. VCF-style (leftmost placement, unchanged base first): chr12-2608677-CAGGA-C. GRCh37 (hg19) VCF-style: chr12-2717843-CAGGA-C.
Other names: c.3584_3587del, p.Gln1195fs (NM_001129827.2, NM_001129832.2, NM_199460.4); c.3524_3527del, p.Gln1175fs (NM_001129829.2, NM_001129830.3, NM_001129831.2 and 15 more transcripts); c.3515_3518del, p.Gln1172fs (NM_001129844.2); short protein forms Q1195fs, Q1172fs, Q1175fs.
Identifiers: ClinVar variation 2452672 (VCV002452672.2), dbSNP rs2518585587, ClinGen allele CA2580085126.